The following is an entry in ClinVar:

ClinVar aggregate classification (germline): Pathogenic/Likely pathogenic. Review status: criteria provided, multiple submitters, no conflicts (2 of 4 stars). 2 submissions from 2 submitters: Pathogenic (1); Likely pathogenic (1). Last evaluated 2026-09-01.

Conditions:
Spermatogenic failure 18. Identifiers: MedGen C4539783, MONDO:0054615, OMIM 617576.
Ciliary dyskinesia, primary, 37 (CILD37). Also called: CILIARY DYSKINESIA, PRIMARY, 37, WITH OR WITHOUT SITUS INVERSUS. Identifiers: MedGen C4539798, MONDO:0033204, OMIM 617577.
DNAH1-related disorder. Also called: DNAH1-related condition.

Allele frequency attached by ClinVar (database versions not stated): gnomAD 0.00001; gnomAD exomes 0.00001; TOPMed 0.00001.
gnomAD v4.1: 21 of 1,568,034 alleles (0.0013%); highest among the groups gnomAD compares: Non-Finnish European, 0.0018%; no homozygotes.

Submissions (2):

PreventionGenetics, part of Exact Sciences
Classification: Likely pathogenic for DNAH1-related condition. Last evaluated: 2026-09-01. Review status: criteria provided, single submitter. Criteria: ACMG Guidelines, 2015. Collection method: clinical testing. Allele origin: germline.
Comment: The DNAH1 c.4284G>A variant is predicted to result in premature protein termination (p.Trp1428*). To our knowledge, this variant has not been reported in the literature. This variant is reported in 0.0065% of alleles in individuals of European (Non-Finnish) descent in gnomAD. Nonsense variants in DNAH1 are expected to be pathogenic. This variant is interpreted as likely pathogenic.

Labcorp Genetics (formerly Invitae), Labcorp
Classification: Pathogenic for Ciliary dyskinesia, primary, 37; Spermatogenic failure 18. Last evaluated: 2023-08-10. Review status: criteria provided, single submitter. Criteria: Invitae Variant Classification Sherloc (09022015). Collection method: clinical testing. Allele origin: germline.
Comment: This variant has not been reported in the literature in individuals affected with DNAH1-related conditions. This sequence change creates a premature translational stop signal (p.Trp1428*) in the DNAH1 gene. It is expected to result in an absent or disrupted protein product. Loss-of-function variants in DNAH1 are known to be pathogenic (PMID: 27573432, 27798045). This variant is present in population databases (no rsID available, gnomAD 0.007%). ClinVar contains an entry for this variant (Variation ID: 2151429). For these reasons, this variant has been classified as Pathogenic.

Literature cited by the submitters: PubMed 27573432 (cited by Labcorp Genetics (formerly Invitae), Labcorp); PubMed 27798045 (cited by Labcorp Genetics (formerly Invitae), Labcorp).

NM_015512.5(DNAH1):c.4284G>A (p.Trp1428Ter)

Gene: DNAH1 (dynein axonemal heavy chain 1; plus strand). Cytogenetic location: 3p21.1.
Variant type: single nucleotide variant.
Coding change: c.4284G>A on transcript NM_015512.5 (MANE Select); coding-DNA position 4284, G replaced by A.
Protein change: p.Trp1428Ter; replaces tryptophan 1428 with a stop codon.
Molecular consequence: nonsense.
Genome position (GRCh38, 1-based): chr3:52,359,263, G>A. VCF-style: chr3-52359263-G-A. GRCh37 (hg19) VCF-style: chr3-52393279-G-A.
Other names: c.4284G>A (NM_015512.4); short protein forms W1428*.
Identifiers: ClinVar variation 2151429 (VCV002151429.5), dbSNP rs1182690810, ClinGen allele CA353126660.